The following is an entry in ClinVar:

ClinVar aggregate classification (germline): Uncertain significance. Review status: criteria provided, multiple submitters, no conflicts (2 of 4 stars). 2 submissions from 2 submitters: Uncertain significance (2). Last evaluated 2022-05-12.

Conditions:
Wilms tumor 1 (WT1). Also called: Wilms tumor, somatic. Identifiers: Orphanet 654, MedGen CN033288, MONDO:0008679, OMIM 194070.
Simpson-Golabi-Behmel syndrome type 1 (SGBS1). Also called: GPC3-Related Simpson-Golabi-Behmel Syndrome Type 1; SIMPSON DYSMORPHIA SYNDROME; BULLDOG SYNDROME; DYSPLASIA GIGANTISM SYNDROME, X-LINKED; GOLABI-ROSEN SYNDROME. Identifiers: Orphanet 373, MedGen C0796154, MONDO:0020602, OMIM 312870.

Allele frequency attached by ClinVar (database versions not stated): gnomAD 0.00001; gnomAD exomes 0.00001; TOPMed 0.00001.
gnomAD v4.1: 7 of 1,210,203 alleles (0.00058%); highest among the groups gnomAD compares: Non-Finnish European, 0.00078%; no homozygotes.

Submissions (2):

Fulgent Genetics
Classification: Uncertain significance for Wilms tumor 1; Simpson-Golabi-Behmel syndrome type 1. Last evaluated: 2022-05-12. Review status: criteria provided, single submitter. Criteria: ACMG Guidelines, 2015. Collection method: clinical testing. Allele origin: unknown.

Labcorp Genetics (formerly Invitae), Labcorp
Classification: Uncertain significance for Wilms tumor 1. Last evaluated: 2021-07-26. Review status: criteria provided, single submitter. Criteria: Invitae Variant Classification Sherloc (09022015). Collection method: clinical testing. Allele origin: germline.
Comment: In summary, the available evidence is currently insufficient to determine the role of this variant in disease. Therefore, it has been classified as a Variant of Uncertain Significance. Algorithms developed to predict the effect of missense changes on protein structure and function are either unavailable or do not agree on the potential impact of this missense change (SIFT: "Deleterious"; PolyPhen-2: "Probably Damaging"; Align-GVGD: "Class C0"). This variant has not been reported in the literature in individuals with GPC3-related conditions. This variant is not present in population databases (ExAC no frequency). This sequence change replaces valine with methionine at codon 289 of the GPC3 protein (p.Val289Met). The valine residue is highly conserved and there is a small physicochemical difference between valine and methionine.

NM_004484.4(GPC3):c.865G>A (p.Val289Met)

Gene: GPC3 (glypican 3; minus strand). Cytogenetic location: Xq26.2.
Variant type: single nucleotide variant.
Coding change: c.865G>A on transcript NM_004484.4 (MANE Select); coding-DNA position 865, G replaced by A.
Protein change: p.Val289Met; replaces valine 289 with methionine.
Molecular consequence: missense variant.
Genome position (GRCh38, 1-based): chrX:133,753,649, C>T on the plus strand (G>A on the coding strand, the complement: GPC3 is on the minus strand). VCF-style: chrX-133753649-C-T. GRCh37 (hg19) VCF-style: chrX-132887676-C-T.
Other names: c.865G>A, p.Val289Met (NM_001164617.2); c.817G>A, p.Val273Met (NM_001164618.2); c.703G>A, p.Val235Met (NM_001164619.2); short protein forms V235M, V273M, V289M.
Identifiers: ClinVar variation 1003335 (VCV001003335.10), dbSNP rs1456458902, ClinGen allele CA414705490.